The following is an entry in ClinVar:

ClinVar aggregate classification (germline): Uncertain significance. Review status: criteria provided, multiple submitters, no conflicts (2 of 4 stars). 2 submissions from 2 submitters: Uncertain significance (2). Last evaluated 2026-07-29.

Conditions:
Hereditary cancer-predisposing syndrome. Also called: Neoplastic Syndromes, Hereditary; Hereditary Cancer Syndrome; Hereditary neoplastic syndrome; Tumor predisposition. Identifiers: Orphanet 140162, MedGen C0027672, MeSH D009386, MONDO:0015356.
Tuberous sclerosis 2 (TSC2). Identifiers: Orphanet 805, MedGen C1860707, MONDO:0013199, OMIM 613254.

Submissions (2):

Ambry Genetics
Classification: Uncertain significance for Hereditary cancer-predisposing syndrome. Last evaluated: 2026-07-29. Review status: criteria provided, single submitter. Criteria: Ambry Variant Classification Scheme 2023. Collection method: clinical testing. Allele origin: germline.
Comment: The p.H1718D variant (also known as c.5152C>G), located in coding exon 39 of the TSC2 gene, results from a C to G substitution at nucleotide position 5152. The histidine at codon 1718 is replaced by aspartic acid, an amino acid with similar properties. This amino acid position is highly conserved in available vertebrate species. In addition, this alteration is predicted to be deleterious by in silico analysis. Based on the available evidence, the clinical significance of this variant remains unclear.

Labcorp Genetics (formerly Invitae), Labcorp
Classification: Uncertain significance for Tuberous sclerosis 2. Last evaluated: 2018-02-07. Review status: criteria provided, single submitter. Criteria: Invitae Variant Classification Sherloc (09022015). Collection method: clinical testing. Allele origin: germline.
Comment: In summary, the available evidence is currently insufficient to determine the role of this variant in disease. Therefore, it has been classified as a Variant of Uncertain Significance. Algorithms developed to predict the effect of missense changes on protein structure and function do not agree on the potential impact of this missense change (SIFT: "Deleterious"; PolyPhen-2: "Possibly Damaging"; Align-GVGD: "Class C0"). This variant has not been reported in the literature in individuals with TSC2-related disease. This variant is not present in population databases (ExAC no frequency). This sequence change replaces histidine with aspartic acid at codon 1718 of the TSC2 protein (p.His1718Asp). The histidine residue is highly conserved and there is a moderate physicochemical difference between histidine and aspartic acid.

NM_000548.5(TSC2):c.5152C>G (p.His1718Asp)

Gene: TSC2 (TSC complex subunit 2; plus strand). Cytogenetic location: 16p13.3.
Variant type: single nucleotide variant.
Coding change: c.5152C>G on transcript NM_000548.5 (MANE Select); coding-DNA position 5152, C replaced by G.
Protein change: p.His1718Asp; replaces histidine 1718 with aspartic acid.
Molecular consequence: missense variant.
Genome position (GRCh38, 1-based): chr16:2,088,131, C>G. VCF-style: chr16-2088131-C-G. GRCh37 (hg19) VCF-style: chr16-2138132-C-G.
Other names: c.4420C>G, p.His1474Asp (NM_001318831.2); c.4984C>G, p.His1662Asp (NM_001318832.2); c.4954C>G, p.His1652Asp (NM_001363528.2); c.5020C>G, p.His1674Asp (NM_001370404.1); c.5023C>G, p.His1675Asp (NM_001370405.1, NM_021055.3); c.4807C>G, p.His1603Asp (NM_001318829.2); c.4951C>G, p.His1651Asp (NM_001077183.3); c.5083C>G, p.His1695Asp (NM_001114382.3); and 1 more; short protein forms H1718D, H1652D, H1615D, H1651D, H1674D, H1675D, H1695D, H1662D.
Identifiers: ClinVar variation 575650 (VCV000575650.10), dbSNP rs1567130289, ClinGen allele CA394312634.